The following is an entry in ClinVar:

ClinVar aggregate classification (germline): Likely benign (1 of 4 stars; one submission).

Allele frequency attached by ClinVar (database versions not stated): 1000 Genomes Project 30x 0.00094; 1000 Genomes Project 0.00100; gnomAD 0.00153; ExAC 0.00209; TOPMed 0.00229; ESP Exome Variant Server 0.00254.
gnomAD v4.1: 4,466 of 1,608,466 alleles (0.28%); highest among the groups gnomAD compares: South Asian, 0.39%; 18 homozygotes.

Submission:

CeGaT Center for Human Genetics Tuebingen
Classification: Likely benign. Last evaluated: 2025-06-01. Review status: criteria provided, single submitter. Criteria: CeGaT Center For Human Genetics Tuebingen Variant Classification Criteria Version 2. Collection method: clinical testing. Allele origin: germline. Affected: yes. Observed: 2 variant alleles.
Comment: ZNF610: BP4, BS2

NM_001161425.2(ZNF610):c.1380G>C (p.Gln460His)

Gene: ZNF610 (zinc finger protein 610; plus strand). Cytogenetic location: 19q13.41.
Variant type: single nucleotide variant.
Coding change: c.1380G>C on transcript NM_001161425.2 (MANE Select); coding-DNA position 1380, G replaced by C.
Protein change: p.Gln460His; replaces glutamine 460 with histidine.
Molecular consequence: missense variant.
Genome position (GRCh38, 1-based): chr19:52,366,758, G>C. VCF-style: chr19-52366758-G-C. GRCh37 (hg19) VCF-style: chr19-52870011-G-C.
Other names: c.1380G>C, p.Gln460His (NM_001161426.2, NM_173530.3); c.1251G>C, p.Gln417His (NM_001161427.2); short protein forms Q417H, Q460H.
Identifiers: ClinVar variation 2650390 (VCV002650390.24), dbSNP rs144093967, ClinGen allele CA9622819.